The following is an entry in ClinVar:

ClinVar aggregate classification (germline): Uncertain significance (1 of 4 stars; one submission).

gnomAD v4.1: 6 of 1,614,074 alleles (0.00037%); highest among the groups gnomAD compares: South Asian, 0.0044%; no homozygotes.

Submission:

Athena Diagnostics
Classification: Uncertain significance. Last evaluated: 2023-10-13. Review status: criteria provided, single submitter. Criteria: Athena Diagnostics Criteria. Collection method: clinical testing. Allele origin: unknown.
Comment: Available data are insufficient to determine the clinical significance of the variant at this time. The frequency of this variant in the general population is uninformative in assessment of its pathogenicity. Computational tools predict that this variant is damaging.

NM_014053.4(FLVCR1):c.371A>G (p.Gln124Arg)

Gene: FLVCR1 (FLVCR choline and heme transporter 1; plus strand). Cytogenetic location: 1q32.3.
Variant type: single nucleotide variant.
Coding change: c.371A>G on transcript NM_014053.4 (MANE Select); coding-DNA position 371, A replaced by G.
Protein change: p.Gln124Arg; replaces glutamine 124 with arginine.
Molecular consequence: missense variant.
Genome position (GRCh38, 1-based): chr1:212,858,823, A>G. VCF-style: chr1-212858823-A-G. GRCh37 (hg19) VCF-style: chr1-213032165-A-G.
Other names: short protein forms Q124R.
Identifiers: ClinVar variation 3571893 (VCV003571893.1).